The following is an entry in ClinVar:

NM_001922.5(DCT):c.183C>G (p.Cys61Trp)

Gene: DCT (dopachrome tautomerase; minus strand). Cytogenetic location: 13q32.1.
Variant type: single nucleotide variant.
Coding change: c.183C>G on transcript NM_001922.5 (MANE Select); coding-DNA position 183, C replaced by G.
Protein change: p.Cys61Trp; replaces cysteine 61 with tryptophan.
Molecular consequence: missense variant. On other transcripts: intron variant (5).
Genome position (GRCh38, 1-based): chr13:94,479,073, G>C on the plus strand (C>G on the coding strand, the complement: DCT is on the minus strand). VCF-style: chr13-94479073-G-C. GRCh37 (hg19) VCF-style: chr13-95131327-G-C.
Other names: c.183C>G, p.Cys61Trp (NM_001129889.3); c.-338-12415C>G (NM_001322182.2); c.-638-10028C>G (NM_001322185.2, NM_001322184.2); c.-339+10304C>G (NM_001322183.2); c.107-10028C>G (NM_001322186.2); short protein forms C61W.
Identifiers: ClinVar variation 929864 (VCV000929864.6), dbSNP rs1885297366, ClinGen allele CA388384694.
Genomic context (GRCh38, chr13:94,479,073, plus strand): 5'-ATCCTGGTTTCGTAGGATGTAGGGACCACTCCAGGGCCTTGTGTCGGCTCGCACCTCTGT[G>C]CACTGCCCCCGGCCTTGCTGAGAGCCACAGACATTGGCCGACTCTGCACCCAGGCGTGGG-3'
Protein context (NP_001913.2, residues 51-71): VCGSQQGRGQ[Cys61Trp]TEVRADTRPW

ClinVar aggregate classification (germline): Pathogenic/Likely pathogenic. Review status: no assertion criteria provided (0 of 4 stars). 2 submissions from 2 submitters: Pathogenic (1); Likely pathogenic (1). Last evaluated 2021-04-20.

Conditions:
Oculocutaneous albinism type 8. Also called: OCULOCUTANEOUS ALBINISM, TYPE VIII. Identifiers: Orphanet 597733, MedGen C5436929, MONDO:0030899, OMIM 619165.
Albinism. Identifiers: MedGen C0001916, MONDO:0043209, HP:0001022.

Submissions (2):

OMIM
Classification: Pathogenic for ALBINISM, OCULOCUTANEOUS, TYPE VIII. Last evaluated: 2021-04-20. Review status: no assertion criteria provided. Collection method: literature only. Allele origin: germline.

Laboratoire de Génétique Moléculaire, CHU Bordeaux
Classification: Likely pathogenic for Albinism. Last evaluated: 2020-06-15. Review status: no assertion criteria provided. Collection method: clinical testing. Allele origin: germline. Inheritance: Autosomal recessive inheritance. Affected: yes. Observed: 1 homozygote.
Comment: We sequenced a panel of genes with known or predicted involvement in melanogenesis in 230 unsolved albinism patients in order to search for new mutations. In two unrelated patients we identified variants in the Dopachrome tautomerase (DCT) (also called Tyrosinase-related protein 2, TYRP2) gene. Both patients had mild hair and skin hypopigmentation, and classical ocular features including nystagmus, iris and retinal hypopigmentation. We have used CRISPR/Cas9 in C57BL/6J mice to create mutations identical to the missense mutations carried by these two patients, along with one loss-of-function indel mutation. When bred to homozygosity these novel mouse mutations revealed different degrees of hypopigmentation of the coat, milder for Cys40Ser compared to Cys61Trp or the frameshift mutation. Histological analysis of the retina identified significant hypopigmentation of the retinal pigmented epithelium (RPE) indicating that a defect in RPE melanogenesis could be associated with eye and vision defects in DCT patients.

Literature cited by the submitters: PubMed 33100333 (cited by OMIM).